The following is an entry in ClinVar:

ClinVar aggregate classification (germline): Uncertain significance (1 of 4 stars; one submission).

Allele frequency attached by ClinVar (database versions not stated): gnomAD 0.00002 and 0.00003; ExAC 0.00004; TOPMed 0.00004.
gnomAD v4.1: 26 of 1,612,854 alleles (0.0016%); highest among the groups gnomAD compares: Admixed American, 0.028%; no homozygotes.

Submission:

Labcorp Genetics (formerly Invitae), Labcorp
Classification: Uncertain significance. Last evaluated: 2024-01-22. Review status: criteria provided, single submitter. Criteria: Invitae Variant Classification Sherloc (09022015). Collection method: clinical testing. Allele origin: germline.
Comment: This sequence change falls in intron 1 of the CASQ1 gene. It does not directly change the encoded amino acid sequence of the CASQ1 protein. It affects a nucleotide within the consensus splice site. This variant is present in population databases (rs754699536, gnomAD 0.04%), and has an allele count higher than expected for a pathogenic variant. This variant has not been reported in the literature in individuals affected with CASQ1-related conditions. ClinVar contains an entry for this variant (Variation ID: 1402352). Variants that disrupt the consensus splice site are a relatively common cause of aberrant splicing (PMID: 17576681, 9536098). Algorithms developed to predict the effect of sequence changes on RNA splicing suggest that this variant is not likely to affect RNA splicing. In summary, the available evidence is currently insufficient to determine the role of this variant in disease. Therefore, it has been classified as a Variant of Uncertain Significance.

Literature cited by the submitters: PubMed 17576681; PubMed 9536098.

NM_001231.5(CASQ1):c.279+6T>C

Gene: CASQ1 (calsequestrin 1; plus strand). Cytogenetic location: 1q23.2.
Variant type: single nucleotide variant.
Coding change: c.279+6T>C on transcript NM_001231.5 (MANE Select); 6 bases into the intron after coding-DNA position 279, T replaced by C.
Molecular consequence: intron variant.
Genome position (GRCh38, 1-based): chr1:160,191,036, T>C. VCF-style: chr1-160191036-T-C. GRCh37 (hg19) VCF-style: chr1-160160826-T-C.
Identifiers: ClinVar variation 1402352 (VCV001402352.6), dbSNP rs754699536, ClinGen allele CA1196111.